The following is an entry in ClinVar:

NM_000540.3(RYR1):c.5435T>C (p.Leu1812Pro)

Gene: RYR1 (ryanodine receptor 1; plus strand). Cytogenetic location: 19q13.2.
Variant type: single nucleotide variant.
Coding change: c.5435T>C on transcript NM_000540.3 (MANE Select); coding-DNA position 5435, T replaced by C.
Protein change: p.Leu1812Pro; replaces leucine 1812 with proline.
Molecular consequence: missense variant.
Genome position (GRCh38, 1-based): chr19:38,486,090, T>C. VCF-style: chr19-38486090-T-C. GRCh37 (hg19) VCF-style: chr19-38976730-T-C.
Other names: c.5435T>C, p.Leu1812Pro (NM_001042723.2); c.5435T>C (NM_000540.2); short protein forms L1812P.
Identifiers: ClinVar variation 1174881 (VCV001174881.8), dbSNP rs1969278145, ClinGen allele CA405655274.

ClinVar aggregate classification (germline): Likely pathogenic. Review status: criteria provided, single submitter (1 of 4 stars). 3 submissions from 3 submitters: Likely pathogenic (1). 2 of the submissions do not count toward it. Last evaluated 2023-09-06.

Allele frequency attached by ClinVar (database versions not stated): TOPMed below 0.00001.
gnomAD v4.1: 1 of 1,612,856 alleles (0.000062%); highest among the groups gnomAD compares: Non-Finnish European, 0.000085%; no homozygotes.

Submissions (3):

GeneDx
Classification: Likely pathogenic. Last evaluated: 2023-09-06. Review status: criteria provided, single submitter. Criteria: GeneDx Variant Classification Process June 2021. Collection method: clinical testing. Allele origin: germline. Affected: yes.
Comment: Not observed at significant frequency in large population cohorts (gnomAD); In silico analysis supports that this missense variant has a deleterious effect on protein structure/function; Has not been previously published as pathogenic or benign to our knowledge

Diagnostic Laboratory, Department of Genetics, University Medical Center Groningen
Classification: Uncertain significance. Review status: no assertion criteria provided. Collection method: clinical testing. Allele origin: germline. Affected: yes. Study: VKGL Data-share Consensus. Not counted in ClinVar's aggregate classification.

Joint Genome Diagnostic Labs from Nijmegen and Maastricht, Radboudumc and MUMC+
Classification: Uncertain significance. Review status: no assertion criteria provided. Collection method: clinical testing. Allele origin: germline. Affected: yes. Study: VKGL Data-share Consensus. Not counted in ClinVar's aggregate classification.